The following is an entry in ClinVar:

NM_005902.4(SMAD3):c.207-32200C>T

Gene: SMAD3 (SMAD family member 3; plus strand). Cytogenetic location: 15q22.33.
Variant type: single nucleotide variant.
Coding change: c.207-32200C>T on transcript NM_005902.4 (MANE Select); 32200 bases into the intron before coding-DNA position 207, C replaced by T.
Molecular consequence: intron variant.
Genome position (GRCh38, 1-based): chr15:67,132,695, C>T. VCF-style: chr15-67132695-C-T. GRCh37 (hg19) VCF-style: chr15-67425033-C-T.
Other names: c.-110+6711C>T (NM_001145102.2).
Identifiers: ClinVar variation 996155 (VCV000996155.2), dbSNP rs12102171, ClinGen allele CA15847003.

ClinVar aggregate classification (germline): confers sensitivity (1 of 4 stars; one submission).

Conditions:
Lung cancer. Also called: Lung cancer, somatic; Malignant tumor of lung. Identifiers: MedGen C0242379, MONDO:0008903, OMIM 211980.

Allele frequency attached by ClinVar (database versions not stated): gnomAD 0.22312 and 0.22553; TOPMed 0.23672; 1000 Genomes Project 30x 0.29044; 1000 Genomes Project 0.29073.

Submission:

Kong Lab, Department of Radiation Oncology, Case Western Reserve University School of Medicine
Classification: confers sensitivity for Lung Cancer. Last evaluated: 2012-05-01. Review status: criteria provided, single submitter. Criteria: Jin JY et al. (Radiother Oncol 2015). Collection method: research. Allele origin: germline. Affected: yes. Observed: 14 variant alleles.
Comment: Improve the prediction accuracy for overal survival in non-small cell lung cancer patients

Literature cited by the submitters: PubMed 21515830; PubMed 24465804.